The following is an entry in ClinVar:

NM_015164.4(PLEKHM2):c.2543G>T (p.Arg848Leu)

Gene: PLEKHM2 (pleckstrin homology and RUN domain containing M2; plus strand). Cytogenetic location: 1p36.21.
Variant type: single nucleotide variant.
Coding change: c.2543G>T on transcript NM_015164.4 (MANE Select); coding-DNA position 2543, G replaced by T.
Protein change: p.Arg848Leu; replaces arginine 848 with leucine.
Molecular consequence: missense variant.
Genome position (GRCh38, 1-based): chr1:15,731,966, G>T. VCF-style: chr1-15731966-G-T. GRCh37 (hg19) VCF-style: chr1-16058461-G-T.
Other names: short protein forms R848L.
Identifiers: ClinVar variation 863723 (VCV000863723.9), dbSNP rs376748082, ClinGen allele CA617291.

ClinVar aggregate classification (germline): Uncertain significance (1 of 4 stars; one submission).

Allele frequency attached by ClinVar (database versions not stated): TOPMed 0.00001; ESP Exome Variant Server 0.00008.
gnomAD v4.1: 9 of 1,612,122 alleles (0.00056%); highest among the groups gnomAD compares: African/African-American, 0.012%; no homozygotes.

Submission:

Labcorp Genetics (formerly Invitae), Labcorp
Classification: Uncertain significance. Last evaluated: 2022-01-23. Review status: criteria provided, single submitter. Criteria: Invitae Variant Classification Sherloc (09022015). Collection method: clinical testing. Allele origin: germline.
Comment: ClinVar contains an entry for this variant (Variation ID: 863723). Algorithms developed to predict the effect of missense changes on protein structure and function are either unavailable or do not agree on the potential impact of this missense change (SIFT: "Deleterious"; PolyPhen-2: "Probably Damaging"; Align-GVGD: "Class C0"). In summary, the available evidence is currently insufficient to determine the role of this variant in disease. Therefore, it has been classified as a Variant of Uncertain Significance. This variant has not been reported in the literature in individuals affected with PLEKHM2-related conditions. This sequence change replaces arginine, which is basic and polar, with leucine, which is neutral and non-polar, at codon 848 of the PLEKHM2 protein (p.Arg848Leu). This variant is present in population databases (rs376748082, gnomAD 0.03%).